The following is an entry in ClinVar:

NM_000091.5(COL4A3):c.4426G>C (p.Val1476Leu)

Genes: COL4A3 (collagen type IV alpha 3 chain; plus strand), MFF-DT (MFF divergent transcript; minus strand). Cytogenetic location: 2q36.3.
Variant type: single nucleotide variant.
Coding change: c.4426G>C on transcript NM_000091.5 (MANE Select); coding-DNA position 4426, G replaced by C.
Protein change: p.Val1476Leu; replaces valine 1476 with leucine.
Molecular consequence: missense variant.
Genome position (GRCh38, 1-based): chr2:227,307,883, G>C. VCF-style: chr2-227307883-G-C. GRCh37 (hg19) VCF-style: chr2-228172599-G-C.
Other names: short protein forms V1476L.
Identifiers: ClinVar variation 4076802 (VCV004076802.1).

ClinVar aggregate classification (germline): Uncertain significance (1 of 4 stars; one submission).

Submission:

GeneDx
Classification: Uncertain significance. Last evaluated: 2025-02-21. Review status: criteria provided, single submitter. Criteria: GeneDx Variant Classification Process June 2021. Collection method: clinical testing. Allele origin: germline. Affected: yes.
Comment: Not observed at significant frequency in large population cohorts (gnomAD); In silico analysis indicates that this missense variant does not alter protein structure/function; Has not been previously published as pathogenic or benign to our knowledge